The following is an entry in ClinVar:

ClinVar aggregate classification (germline): Uncertain significance (1 of 4 stars; one submission).

Conditions:
RASopathy. Also called: Noonan spectrum disorder; rasopathies. Identifiers: Orphanet 536391, MedGen C5555857, MONDO:0021060.

Submission:

Labcorp Genetics (formerly Invitae), Labcorp
Classification: Uncertain significance for RASopathy. Last evaluated: 2021-12-21. Review status: criteria provided, single submitter. Criteria: Invitae Variant Classification Sherloc (09022015). Collection method: clinical testing. Allele origin: germline.
Comment: In summary, the available evidence is currently insufficient to determine the role of this variant in disease. Therefore, it has been classified as a Variant of Uncertain Significance. Experimental studies and prediction algorithms are not available or were not evaluated, and the functional significance of this variant is currently unknown. This variant has not been reported in the literature in individuals affected with CBL-related conditions. This variant is not present in population databases (gnomAD no frequency). This variant, c.2701_2703del, results in the deletion of 1 amino acid(s) of the CBL protein (p.Pro901del), but otherwise preserves the integrity of the reading frame.

NM_005188.4(CBL):c.2701_2703del (p.Pro901del)

Gene: CBL (Cbl proto-oncogene; plus strand). Cytogenetic location: 11q23.3.
Variant type: Deletion.
Coding change: c.2701_2703del on transcript NM_005188.4 (MANE Select); coding-DNA positions 2701 to 2703, 3 bases deleted (CCT; older notation c.2701_2703delCCT).
Protein change: p.Pro901del; deletes proline 901.
Molecular consequence: inframe deletion.
Genome position (GRCh38, 1-based): chr11:119,299,761-119,299,763, CCT deleted; deleting any 3 consecutive bases within chr11:119,299,759-119,299,763 gives the same sequence; the c. name uses the placement nearest the transcript's 3' end. VCF-style (leftmost placement, unchanged base first): chr11-119299758-TCTC-T. GRCh37 (hg19) VCF-style: chr11-119170468-TCTC-T.
Other names: short protein forms P901del.
Identifiers: ClinVar variation 2044016 (VCV002044016.4), dbSNP rs1950088664, ClinGen allele CA2003889400.